The following is an entry in ClinVar:

NM_003835.4(RGS9):c.185G>T (p.Arg62Leu)

Gene: RGS9 (regulator of G protein signaling 9; plus strand). Cytogenetic location: 17q24.1.
Variant type: single nucleotide variant.
Coding change: c.185G>T on transcript NM_003835.4 (MANE Select); coding-DNA position 185, G replaced by T.
Protein change: p.Arg62Leu; replaces arginine 62 with leucine.
Molecular consequence: missense variant.
Genome position (GRCh38, 1-based): chr17:65,158,325, G>T. VCF-style: chr17-65158325-G-T. GRCh37 (hg19) VCF-style: chr17-63154443-G-T.
Other names: c.185G>T, p.Arg62Leu (NM_001081955.3, NM_001165933.2); short protein forms R62L.
Identifiers: ClinVar variation 2125009 (VCV002125009.4), dbSNP rs755991403, ClinGen allele CA400663643.
Genomic context (GRCh38, chr17:65,158,325, plus strand): 5'-CAATAACCGCAAATGTCTCTTGTTTTTCAGGAAGTGATGTTCTGCAATGGATCGTCCAGC[G>T]GCTTTGGATCTCCAGTCTGGGTGAGAGCTCATCTGGCACTCAGTTATCCGGGACAGCTTT-3'
Protein context (NP_003826.2, residues 52-72): GSDVLQWIVQ[Arg62Leu]LWISSLEAQN

ClinVar aggregate classification (germline): Uncertain significance (1 of 4 stars; one submission).

Submission:

Labcorp Genetics (formerly Invitae), Labcorp
Classification: Uncertain significance. Last evaluated: 2022-07-09. Review status: criteria provided, single submitter. Criteria: Invitae Variant Classification Sherloc (09022015). Collection method: clinical testing. Allele origin: germline.
Comment: This sequence change replaces arginine, which is basic and polar, with leucine, which is neutral and non-polar, at codon 62 of the RGS9 protein (p.Arg62Leu). This variant is not present in population databases (gnomAD no frequency). This variant has not been reported in the literature in individuals affected with RGS9-related conditions. Algorithms developed to predict the effect of missense changes on protein structure and function are either unavailable or do not agree on the potential impact of this missense change (SIFT: "Deleterious"; PolyPhen-2: "Benign"; Align-GVGD: "Class C0"). In summary, the available evidence is currently insufficient to determine the role of this variant in disease. Therefore, it has been classified as a Variant of Uncertain Significance.